The following is an entry in ClinVar:

NM_001199251.3(SGO1):c.30C>A (p.Ser10=)

Genes: SGO1 (shugoshin 1; minus strand), SGO1-AS1 (SGO1 antisense RNA 1; plus strand). Cytogenetic location: 3p24.3.
Variant type: single nucleotide variant.
Coding change: c.30C>A on transcript NM_001199251.3 (MANE Select); coding-DNA position 30, C replaced by A.
Protein change: p.Ser10=; no amino-acid change (serine 10 retained).
Molecular consequence: synonymous variant. On other transcripts: non-coding transcript variant (2).
Genome position (GRCh38, 1-based): chr3:20,183,998, G>T on the plus strand (C>A on the coding strand, the complement: SGO1 is on the minus strand). VCF-style: chr3-20183998-G-T. GRCh37 (hg19) VCF-style: chr3-20225490-G-T.
Other names: c.30C>A, p.Ser10= (NM_001012409.4, NM_001012410.5, NM_001012411.4 and 9 more transcripts); c.30C>A (NM_001199256.2).
Identifiers: ClinVar variation 760207 (VCV000760207.6), dbSNP rs143768051, ClinGen allele CA2285440.
Genomic context (GRCh38, chr3:20,183,998, plus strand): 5'-CAAGTTTTTATTCCTTTTCTCTTTCATTCGCTTCTTTATGTCTTCAAGACTATCTTGAAA[G>T]GACTTTTTCAGGCATCTTTCCTTGGCCATCTTTTGCCTAAACAATAAAAAATATTTTTTC-3'
Protein context (NP_001186180.1, residues 1-20): MAKERCLKK[Ser10=]FQDSLEDIKK

ClinVar aggregate classification (germline): Benign. Review status: criteria provided, single submitter (1 of 4 stars). 2 submissions from 2 submitters: Benign (1). 1 of the submissions does not count toward it. Last evaluated 2019-12-31.

Conditions:
SGO1-related disorder. Also called: SGO1-related condition.

Allele frequency attached by ClinVar (database versions not stated): gnomAD 0.00016; TOPMed 0.00020; ESP Exome Variant Server 0.00038; 1000 Genomes Project 0.00280; 1000 Genomes Project 30x 0.00281.
gnomAD v4.1: 1,386 of 1,588,918 alleles (0.087%); highest among the groups gnomAD compares: South Asian, 1.5%; 27 homozygotes.

Submissions (2):

Labcorp Genetics (formerly Invitae), Labcorp
Classification: Benign. Last evaluated: 2019-12-31. Review status: criteria provided, single submitter. Criteria: Invitae Variant Classification Sherloc (09022015). Collection method: clinical testing. Allele origin: germline.

PreventionGenetics, part of Exact Sciences
Classification: Benign for SGO1-related condition. Last evaluated: 2019-05-28. Review status: no assertion criteria provided. Collection method: clinical testing. Allele origin: germline. Not counted in ClinVar's aggregate classification.
Comment: This variant is classified as benign based on ACMG/AMP sequence variant interpretation guidelines (Richards et al. 2015 PMID: 25741868, with internal and published modifications).